The following is an entry in ClinVar:

ClinVar aggregate classification (germline): Benign/Likely benign. Review status: criteria provided, multiple submitters, no conflicts (2 of 4 stars). 3 submissions from 3 submitters: Benign (1); Likely benign (1). 1 of the submissions does not count toward it. Last evaluated 2024-10-29.

Conditions:
Inborn genetic diseases. Identifiers: MedGen C0950123, MeSH D030342.
CREBBP-related disorder. Also called: CREBBP-related disorders; CREBBP-related condition.
Rubinstein-Taybi syndrome (RSTS). Identifiers: Orphanet 783, MedGen C0035934, MONDO:0019188.

Allele frequency attached by ClinVar (database versions not stated): ExAC below 0.00001; gnomAD 0.00001; gnomAD exomes 0.00001; TOPMed 0.00002.
gnomAD v4.1: 2 of 1,557,322 alleles (0.00013%); highest among the groups gnomAD compares: Admixed American, 0.0037%; no homozygotes.

Submissions (3):

Labcorp Genetics (formerly Invitae), Labcorp
Classification: Benign for Rubinstein-Taybi syndrome. Last evaluated: 2024-10-29. Review status: criteria provided, single submitter. Criteria: Invitae Variant Classification Sherloc (09022015). Collection method: clinical testing. Allele origin: germline.

Ambry Genetics
Classification: Likely benign for Inborn genetic diseases. Last evaluated: 2017-05-18. Review status: criteria provided, single submitter. Criteria: Ambry Variant Classification Scheme 2023. Collection method: clinical testing. Allele origin: germline.

PreventionGenetics, part of Exact Sciences
Classification: Likely benign for CREBBP-related condition. Last evaluated: 2021-05-21. Review status: no assertion criteria provided. Collection method: clinical testing. Allele origin: germline. Not counted in ClinVar's aggregate classification.
Comment: This variant is classified as likely benign based on ACMG/AMP sequence variant interpretation guidelines (Richards et al. 2015 PMID: 25741868, with internal and published modifications).

NM_004380.3(CREBBP):c.5898C>A (p.Ala1966=)

Gene: CREBBP (CREB binding lysine acetyltransferase; minus strand). Cytogenetic location: 16p13.3.
Variant type: single nucleotide variant.
Coding change: c.5898C>A on transcript NM_004380.3 (MANE Select); coding-DNA position 5898, C replaced by A.
Protein change: p.Ala1966=; no amino-acid change (alanine 1966 retained).
Molecular consequence: synonymous variant.
Genome position (GRCh38, 1-based): chr16:3,729,149, G>T on the plus strand (C>A on the coding strand, the complement: CREBBP is on the minus strand). VCF-style: chr16-3729149-G-T. GRCh37 (hg19) VCF-style: chr16-3779150-G-T.
Other names: c.5784C>A, p.Ala1928= (NM_001079846.1).
Identifiers: ClinVar variation 589639 (VCV000589639.8), dbSNP rs770870064, ClinGen allele CA7869231.